The following is an entry in ClinVar:

NM_001184880.2(PCDH19):c.940C>A (p.Leu314Met)

Gene: PCDH19 (protocadherin 19; minus strand). Cytogenetic location: Xq22.1.
Variant type: single nucleotide variant.
Coding change: c.940C>A on transcript NM_001184880.2 (MANE Select); coding-DNA position 940, C replaced by A.
Protein change: p.Leu314Met; replaces leucine 314 with methionine.
Molecular consequence: missense variant.
Genome position (GRCh38, 1-based): chrX:100,407,658, G>T on the plus strand (C>A on the coding strand, the complement: PCDH19 is on the minus strand). VCF-style: chrX-100407658-G-T. GRCh37 (hg19) VCF-style: chrX-99662656-G-T.
Other names: c.940C>A, p.Leu314Met (NM_001105243.2, NM_020766.3); short protein forms L314M.
Identifiers: ClinVar variation 2698747 (VCV002698747.3), dbSNP rs2520987783, ClinGen allele CA414004963.

ClinVar aggregate classification (germline): Uncertain significance (1 of 4 stars; one submission).

Conditions:
Developmental and epileptic encephalopathy, 9 (DEE9). Also called: JUBERG-HELLMAN SYNDROME; Early infantile epileptic encephalopathy 9; PCDH19-Related X-Linked Female-Limited Epilepsy with Mental Retardation; EPILEPSY, FEMALE-RESTRICTED, WITH MENTAL RETARDATION. Identifiers: Orphanet 101039, Orphanet 2076, MedGen C1848137, MONDO:0010246, OMIM 300088. Disease mechanism: loss of function.

Submission:

Labcorp Genetics (formerly Invitae), Labcorp
Classification: Uncertain significance for Developmental and epileptic encephalopathy, 9. Last evaluated: 2023-11-24. Review status: criteria provided, single submitter. Criteria: Invitae Variant Classification Sherloc (09022015). Collection method: clinical testing. Allele origin: germline.
Comment: This sequence change replaces leucine, which is neutral and non-polar, with methionine, which is neutral and non-polar, at codon 314 of the PCDH19 protein (p.Leu314Met). This variant is not present in population databases (gnomAD no frequency). This variant has not been reported in the literature in individuals affected with PCDH19-related conditions. Advanced modeling of protein sequence and biophysical properties (such as structural, functional, and spatial information, amino acid conservation, physicochemical variation, residue mobility, and thermodynamic stability) performed at Invitae indicates that this missense variant is not expected to disrupt PCDH19 protein function with a negative predictive value of 95%. In summary, the available evidence is currently insufficient to determine the role of this variant in disease. Therefore, it has been classified as a Variant of Uncertain Significance.